The following is an entry in ClinVar:

ClinVar aggregate classification (germline): Conflicting classifications of pathogenicity. Review status: criteria provided, conflicting classifications (1 of 4 stars). 11 submissions from 7 submitters: Uncertain significance (8); Benign (2); Likely benign (1). Last evaluated 2026-04-02.

Conditions:
TTN-related disorder. Also called: TTN-related condition; TTN-related disease; TTN-related disorders.
Cardiovascular phenotype. Identifiers: MedGen CN230736.
Dilated cardiomyopathy 1G (CMD1G). Identifiers: Orphanet 154, MedGen C1858763, MONDO:0011400, OMIM 604145.
Autosomal recessive limb-girdle muscular dystrophy type 2J (LGMDR10). Also called: Limb-girdle muscular dystrophy, type 2J; MUSCULAR DYSTROPHY, LIMB-GIRDLE, AUTOSOMAL RECESSIVE 10. Identifiers: Orphanet 140922, MedGen C1837342, MONDO:0012127, OMIM 608807.
Myopathy, myofibrillar, 9, with early respiratory failure (MFM9). Also called: Myopathy, distal, with early respiratory failure, autosomal dominant; MYOPATHY, PROXIMAL, WITH EARLY RESPIRATORY MUSCLE INVOLVEMENT; Hereditary myopathy with early respiratory failure; EDSTROM MYOPATHY. Identifiers: Orphanet 178464, Orphanet 34521, MedGen C1863599, MONDO:0011362, OMIM 603689.
Early-onset myopathy with fatal cardiomyopathy (CMYO5). Also called: Salih Myopathy; CONGENITAL MYOPATHY 5 WITH CARDIOMYOPATHY. Identifiers: Orphanet 289377, MedGen C2673677, MONDO:0012714, OMIM 611705. Disease mechanism: loss of function.
Tibial muscular dystrophy (TMD). Also called: Tibial muscular dystrophy, tardive; Udd Distal Myopathy – Tibial Muscular Dystrophy; UDD MYOPATHY. Identifiers: Orphanet 609, MedGen C1838244, MONDO:0010870, OMIM 600334.

Allele frequency attached by ClinVar (database versions not stated): gnomAD 0.00006; TOPMed 0.00006; gnomAD exomes 0.00007 and 0.00009; ExAC 0.00013; 1000 Genomes Project 30x 0.00016; 1000 Genomes Project 0.00020; ESP Exome Variant Server 0.00024.
gnomAD v4.1: 111 of 1,613,884 alleles (0.0069%); highest among the groups gnomAD compares: Non-Finnish European, 0.0073%; no homozygotes.

Submissions (11):

PreventionGenetics, part of Exact Sciences
Classification: Uncertain significance for TTN-related condition. Last evaluated: 2026-04-02. Review status: criteria provided, single submitter. Criteria: ACMG Guidelines, 2015. Collection method: clinical testing. Allele origin: germline.
Comment: The TTN c.92590G>A variant is predicted to result in the amino acid substitution p.Asp30864Asn. This variant has been reported to be associated with electrocardiographic QT interval variance in a population-based study (Kapoor et al. 2016. PubMed ID: 27321809). This variant is reported in 0.012% of alleles in individuals of European (Finnish) descent in gnomAD. At this time, the clinical significance of this variant is uncertain due to the absence of conclusive functional and genetic evidence.

Women's Health and Genetics/Laboratory Corporation of America, LabCorp
Classification: Uncertain significance. Last evaluated: 2022-06-03. Review status: criteria provided, single submitter. Criteria: LabCorp Variant Classification Summary - May 2015. Collection method: clinical testing. Allele origin: germline.
Comment: Variant summary: TTN c.84886G>A (p.Asp28296Asn) results in a conservative amino acid change located in the A-band region of the encoded protein sequence. Four of five in-silico tools predict a benign effect of the variant on protein function. The variant allele was found at a frequency of 8.8e-05 in 248722 control chromosomes. This frequency is not significantly higher than estimated for a pathogenic variant in TTN causing Dilated Cardiomyopathy (8.8e-05 vs 0.00039), allowing no conclusion about variant significance. To our knowledge, no occurrence of c.84886G>A in individuals affected with Dilated Cardiomyopathy/Limb-Girdle Muscular Dystrophy, Type 2J/TTN-related disorders and no experimental evidence demonstrating its impact on protein function have been reported. Four clinical diagnostic laboratories have submitted clinical-significance assessments for this variant to ClinVar after 2014 without evidence for independent evaluation. Multiple laboratories reported the variant with conflicting assessments. Based on the evidence outlined above, the variant was classified as uncertain significance.

Revvity Omics, Revvity
Classification: Uncertain significance. Last evaluated: 2022-01-24. Review status: criteria provided, single submitter. Criteria: ACMG Guidelines, 2015. Collection method: clinical testing. Allele origin: germline.

Ambry Genetics
Classification: Uncertain significance for Cardiovascular phenotype. Last evaluated: 2019-07-11. Review status: criteria provided, single submitter. Criteria: Ambry Variant Classification Scheme 2023. Collection method: clinical testing. Allele origin: germline.
Comment: The p.D21799N variant (also known as c.65395G>A), located in coding exon 166 of the TTN gene, results from a G to A substitution at nucleotide position 65395. The aspartic acid at codon 21799 is replaced by asparagine, an amino acid with highly similar properties. This variant (referred to as p.D30864N, c.92590G>A) was reportedly associated with QT interval in a population-based cohort (Kapoor A et al. Sci Rep, 2016 06;6:28356). This amino acid position is not well conserved in available vertebrate species. In addition, this alteration is predicted to be tolerated by in silico analysis. Since supporting evidence is limited at this time, the clinical significance of this alteration remains unclear.

GeneDx
Classification: Likely benign. Last evaluated: 2018-12-24. Review status: criteria provided, single submitter. Criteria: GeneDx Variant Classification Process June 2021. Collection method: clinical testing. Allele origin: germline. Affected: yes.
Comment: This variant is associated with the following publications: (PMID: 27321809)

Illumina Laboratory Services, Illumina
Classification: Uncertain significance for Autosomal recessive limb-girdle muscular dystrophy type 2J. Last evaluated: 2018-01-13. Review status: criteria provided, single submitter. Criteria: ICSL Variant Classification Criteria 13 December 2019. Collection method: clinical testing. Allele origin: germline.

Illumina Laboratory Services, Illumina
Classification: Uncertain significance for Dilated cardiomyopathy 1G. Last evaluated: 2018-01-13. Review status: criteria provided, single submitter. Criteria: ICSL Variant Classification Criteria 13 December 2019. Collection method: clinical testing. Allele origin: germline.

Illumina Laboratory Services, Illumina
Classification: Uncertain significance for Early-onset myopathy with fatal cardiomyopathy. Last evaluated: 2018-01-13. Review status: criteria provided, single submitter. Criteria: ICSL Variant Classification Criteria 13 December 2019. Collection method: clinical testing. Allele origin: germline.

Illumina Laboratory Services, Illumina
Classification: Benign for Myopathy, myofibrillar, 9, with early respiratory failure. Last evaluated: 2018-01-13. Review status: criteria provided, single submitter. Criteria: ICSL Variant Classification Criteria 13 December 2019. Collection method: clinical testing. Allele origin: germline.
Comment: This variant was observed in the ICSL laboratory as part of a predisposition screen in an ostensibly healthy population. It had not been previously curated by ICSL or reported in the Human Gene Mutation Database (HGMD: prior to June 1st, 2018), and was therefore a candidate for classification through an automated scoring system. Utilizing variant allele frequency, disease prevalence and penetrance estimates, and inheritance mode, an automated score was calculated to assess if this variant is too frequent to cause the disease. Based on the score and internal cut-off values, a variant classified as benign is not then subjected to further curation. The score for this variant resulted in a classification of benign for this disease.

Illumina Laboratory Services, Illumina
Classification: Benign for Tibial muscular dystrophy. Last evaluated: 2018-01-13. Review status: criteria provided, single submitter. Criteria: ICSL Variant Classification Criteria 13 December 2019. Collection method: clinical testing. Allele origin: germline.
Comment: the same text as in the submission from Illumina Laboratory Services, Illumina above.

Labcorp Genetics (formerly Invitae), Labcorp
Classification: Uncertain significance for Dilated cardiomyopathy 1G; Autosomal recessive limb-girdle muscular dystrophy type 2J. Last evaluated: 2017-11-06. Review status: criteria provided, single submitter. Criteria: Invitae Variant Classification Sherloc (09022015). Collection method: clinical testing. Allele origin: germline.

Literature cited by the submitters: PubMed 27321809 (cited by Ambry Genetics).

NM_001267550.2(TTN):c.92590G>A (p.Asp30864Asn)

Genes: TTN (titin; minus strand), TTN-AS1 (TTN antisense RNA 1; plus strand). Cytogenetic location: 2q31.2.
Variant type: single nucleotide variant.
Coding change: c.92590G>A on transcript NM_001267550.2 (MANE Select); coding-DNA position 92590, G replaced by A.
Protein change: p.Asp30864Asn; replaces aspartic acid 30864 with asparagine.
Molecular consequence: missense variant.
Genome position (GRCh38, 1-based): chr2:178,549,036, C>T on the plus strand (G>A on the coding strand, the complement: TTN is on the minus strand). VCF-style: chr2-178549036-C-T. GRCh37 (hg19) VCF-style: chr2-179413763-C-T.
Other names: p.D29223N:GAC>AAC; c.87667G>A, p.Asp29223Asn (NM_001256850.1); c.65395G>A, p.Asp21799Asn (NM_003319.4); c.84886G>A, p.Asp28296Asn (NM_133378.4); c.65770G>A, p.Asp21924Asn (NM_133432.3); c.65971G>A, p.Asp21991Asn (NM_133437.4); short protein forms D29223N, D30864N, D28296N, D21991N, D21924N, D21799N.
Identifiers: ClinVar variation 202989 (VCV000202989.14), dbSNP rs200621611, ClinGen allele CA310905.
Genomic context (GRCh38, chr2:178,549,036, plus strand): 5'-TGACTGTATATCTTGTTTTCACACATGCCTCTGCATTCACCTTGTGCCAGTCTCCTAAGT[C>T]GGCCTTACACATTTCAATAATATACCCAATTATTTCCATGCCACCATCAAACACTGGTTT-3'
Protein context (NP_001254479.2, residues 30854-30874): IGYIIEMCKA[Asp30864Asn]LGDWHKVNAE